The following is an entry in ClinVar:

ClinVar aggregate classification (germline): Benign. Review status: criteria provided, multiple submitters, no conflicts (2 of 4 stars). 2 submissions from 2 submitters: Benign (2). Last evaluated 2018-06-19.

Allele frequency attached by ClinVar (database versions not stated): 1000 Genomes Project 0.13638; 1000 Genomes Project 30x 0.13695; ESP Exome Variant Server 0.16254; gnomAD exomes 0.16713; ExAC 0.18043; gnomAD 0.18116 and 0.18760; TOPMed 0.18327.
gnomAD v4.1: 303,597 of 1,578,042 alleles (19%); highest among the groups gnomAD compares: Non-Finnish European, 21%; 30,925 homozygotes.

Submissions (2):

GeneDx
Classification: Benign. Last evaluated: 2018-06-19. Review status: criteria provided, single submitter. Criteria: GeneDx Variant Classification (06012015). Collection method: clinical testing. Allele origin: germline. Affected: yes.
Comment: This variant is considered likely benign or benign based on one or more of the following criteria: it is a conservative change, it occurs at a poorly conserved position in the protein, it is predicted to be benign by multiple in silico algorithms, and/or has population frequency not consistent with disease.

Breakthrough Genomics
Classification: Benign. Review status: criteria provided, single submitter. Criteria: ACMG Guidelines, 2015. Collection method: not provided. Allele origin: germline. Inheritance: Autosomal recessive inheritance. Affected: yes.

NM_181882.3(PRX):c.28-52G>A

Genes: PRX (periaxin; minus strand), LOC130064454 (ATAC-STARR-seq lymphoblastoid active region 14650; plus strand). Cytogenetic location: 19q13.2.
Variant type: single nucleotide variant.
Coding change: c.28-52G>A on transcript NM_181882.3 (MANE Select); 52 bases into the intron before coding-DNA position 28, G replaced by A.
Molecular consequence: intron variant.
Genome position (GRCh38, 1-based): chr19:40,403,914, C>T on the plus strand (G>A on the coding strand, the complement: PRX is on the minus strand). VCF-style: chr19-40403914-C-T. GRCh37 (hg19) VCF-style: chr19-40909821-C-T.
Other names: c.28-52G>A (NM_020956.2).
Identifiers: ClinVar variation 668603 (VCV000668603.2), dbSNP rs2613842, ClinGen allele CA9444611.
Genomic context (GRCh38, chr19:40,403,914, plus strand): 5'-CCTCAGCTCCTGCAGAGGGCGGCGAGGTGTCGCGTTGGGGCTCTAGGGCCGGACCTCGCC[C>T]AGAGCCCGCCATTGCGCTCAACAGTGGCTCATATACATATATATGTTTATATATATTTAG-3'